The following is an entry in ClinVar:

NM_007294.4(BRCA1):c.3689T>G (p.Leu1230Ter)

Genes: BRCA1 (BRCA1 DNA repair associated; minus strand), LOC126862571 (BRD4-independent group 4 enhancer GRCh37_chr17:41243136-41244335; plus strand). Cytogenetic location: 17q21.31.
Variant type: single nucleotide variant.
Coding change: c.3689T>G on transcript NM_007294.4 (MANE Select); coding-DNA position 3689, T replaced by G.
Protein change: p.Leu1230Ter; replaces leucine 1230 with a stop codon.
Molecular consequence: nonsense. On other transcripts: intron variant (135).
Genome position (GRCh38, 1-based): chr17:43,091,842, A>C on the plus strand (T>G on the coding strand, the complement: BRCA1 is on the minus strand). VCF-style: chr17-43091842-A-C. GRCh37 (hg19) VCF-style: chr17-41243859-A-C.
Other names: c.3476T>G, p.Leu1159Ter (NM_001407571.1, NM_001407853.1, NM_001407894.1 and 9 more transcripts); c.3689T>G, p.Leu1230Ter (NM_001407581.1, NM_001407582.1, NM_001407602.1 and 30 more transcripts); c.3686T>G, p.Leu1229Ter (NM_001407610.1, NM_001407611.1, NM_001407612.1 and 22 more transcripts); c.3680T>G, p.Leu1227Ter (NM_001407646.1, NM_001407647.1); c.3566T>G, p.Leu1189Ter (NM_001407648.1, NM_001407664.1, NM_001407665.1 and 19 more transcripts); c.3563T>G, p.Leu1188Ter (NM_001407649.1, NM_001407670.1, NM_001407671.1 and 11 more transcripts); c.3611T>G, p.Leu1204Ter (NM_001407653.1, NM_001407654.1, NM_001407655.1 and 4 more transcripts); c.3608T>G, p.Leu1203Ter (NM_001407659.1, NM_001407660.1, NM_001407661.1 and 1 more transcripts); and 41 more; short protein forms L1230*, L1183*, L1102*, L1141*, L1160*, L1189*, L1103*, L1119*.
Identifiers: ClinVar variation 37540 (VCV000037540.22), dbSNP rs80357162, ClinGen allele CA002359.

ClinVar aggregate classification (germline): Pathogenic. Review status: reviewed by expert panel (3 of 4 stars). 9 submissions from 9 submitters: Pathogenic (1). 8 of the submissions do not count toward it. Last evaluated 2016-09-08.

Conditions:
Hereditary cancer-predisposing syndrome. Also called: Tumor predisposition; Hereditary Cancer Syndrome; Hereditary neoplastic syndrome; Neoplastic Syndromes, Hereditary. Identifiers: Orphanet 140162, MedGen C0027672, MeSH D009386, MONDO:0015356.
Hereditary breast ovarian cancer syndrome. Also called: Hereditary breast and ovarian cancer; Breast and ovarian cancer; BRCA1- and BRCA2-Associated Hereditary Breast and Ovarian Cancer; Hereditary breast and/or ovarian cancer syndrome; Hereditary breast and ovarian cancer syndrome (HBOC); Hereditary breast and ovarian cancer syndrome. Identifiers: Orphanet 145, MedGen C0677776, MeSH D061325, MONDO:0003582. Disease mechanism: loss of function.
Breast-ovarian cancer, familial, susceptibility to, 1 (BROVCA1). Also called: OVARIAN CANCER, SUSCEPTIBILITY TO; BRCA1 Hereditary Breast and Ovarian Cancer. Identifiers: Orphanet 145, MedGen C2676676, MONDO:0011450, OMIM 604370. Disease mechanism: loss of function.

Submissions (9):

Evidence-based Network for the Interpretation of Germline Mutant Alleles (ENIGMA)
Classification: Pathogenic for Breast-ovarian cancer, familial, susceptibility to, 1. Last evaluated: 2016-09-08. Review status: reviewed by expert panel. Criteria: ENIGMA BRCA1/2 Classification Criteria (2015). Collection method: curation. Allele origin: germline.
Comment: Variant allele predicted to encode a truncated non-functional protein.

Ambry Genetics
Classification: Pathogenic for Hereditary cancer-predisposing syndrome. Last evaluated: 2026-06-24. Review status: criteria provided, single submitter. Criteria: Ambry Variant Classification Scheme 2023. Collection method: clinical testing. Allele origin: germline. Not counted in ClinVar's aggregate classification.
Comment: The p.L1230* pathogenic mutation (also known as c.3689T>G), located in coding exon 9 of the BRCA1 gene, results from a T to G substitution at nucleotide position 3689. This changes the amino acid from a leucine to a stop codon within coding exon 9. This variant is considered to be rare based on population cohorts in the Genome Aggregation Database (gnomAD). This alteration is expected to result in loss of function by premature protein truncation or nonsense-mediated mRNA decay. As such, this alteration is interpreted as a disease-causing mutation.

Color Diagnostics, LLC DBA Color Health
Classification: Pathogenic for Hereditary cancer-predisposing syndrome. Last evaluated: 2022-01-24. Review status: criteria provided, single submitter. Criteria: ACMG Guidelines, 2015. Collection method: clinical testing. Allele origin: germline. Not counted in ClinVar's aggregate classification.
Comment: This variant changes 1 nucleotide in exon 10 of the BRCA1 gene, creating a premature translation stop signal. This variant is expected to result in an absent or non-functional protein product. This variant has been observed in individuals and families affected with breast and ovarian cancer (PMID: 23683081, 28947987, 28127413, 29339979, 32614418; Color internal data), and has been identified in 1 family among the CIMBA participants (PMID: 29446198). This variant has not been identified in the general population by the Genome Aggregation Database (gnomAD). Loss of BRCA1 function is a known mechanism of disease. Based on the available evidence, this variant is classified as Pathogenic.

Labcorp Genetics (formerly Invitae), Labcorp
Classification: Pathogenic for Hereditary breast ovarian cancer syndrome. Last evaluated: 2021-06-13. Review status: criteria provided, single submitter. Criteria: Invitae Variant Classification Sherloc (09022015). Collection method: clinical testing. Allele origin: germline. Not counted in ClinVar's aggregate classification.
Comment: This variant is not present in population databases (ExAC no frequency). This sequence change creates a premature translational stop signal (p.Leu1230*) in the BRCA1 gene. It is expected to result in an absent or disrupted protein product. This variant has been reported in a family affected with breast cancer (PMID: 23683081) and in individuals undergoing testing for hereditary breast and ovarian cancer (PMID: 29446198). ClinVar contains an entry for this variant (Variation ID: 37540). Loss-of-function variants in BRCA1 are known to be pathogenic (PMID: 20104584). For these reasons, this variant has been classified as Pathogenic.

Quest Diagnostics Nichols Institute San Juan Capistrano
Classification: Pathogenic. Last evaluated: 2019-07-23. Review status: criteria provided, single submitter. Criteria: Quest Diagnostics criteria. Collection method: clinical testing. Allele origin: germline. Not counted in ClinVar's aggregate classification.
Comment: The variant creates a premature nonsense codon, and is therefore predicted to result in the loss of a functional protein. Found in at least one symptomatic patient, and not found in general population data.

Consortium of Investigators of Modifiers of BRCA1/2 (CIMBA), c/o University of Cambridge
Classification: Pathogenic for Breast-ovarian cancer, familial, susceptibility to, 1. Last evaluated: 2015-10-02. Review status: criteria provided, single submitter. Criteria: CIMBA Mutation Classification guidelines May 2016. Collection method: clinical testing. Allele origin: germline. Not counted in ClinVar's aggregate classification.

Department of Medical Genetics, Oslo University Hospital
Classification: Pathogenic for Breast-ovarian cancer, familial, susceptibility to, 1. Last evaluated: 2015-07-01. Review status: criteria provided, single submitter. Criteria: ACMG Guidelines, 2015. Collection method: clinical testing. Allele origin: germline. Affected: yes. Observed: 2 variant alleles. Not counted in ClinVar's aggregate classification.

Molecular Oncology, Hospital Universitario Central de Asturias (HUCA)
Classification: Pathogenic for Breast-ovarian cancer, familial, susceptibility to, 1. Last evaluated: 2021-05-24. Review status: no assertion criteria provided. Collection method: case-control. Allele origin: germline. Affected: yes. Not counted in ClinVar's aggregate classification.

Breast Cancer Information Core (BIC) (BRCA1)
Classification: Pathogenic for Breast-ovarian cancer, familial 1. Last evaluated: 2004-02-20. Review status: no assertion criteria provided. Collection method: clinical testing. Allele origin: germline. Affected: yes. Observed: 3 variant alleles. Not counted in ClinVar's aggregate classification.

Literature cited by the submitters: PubMed 23683081 (cited by 3 submitters); PubMed 28127413 (cited by Color Diagnostics, LLC DBA Color Health and Quest Diagnostics Nichols Institute San Juan Capistrano); PubMed 28947987 (cited by Color Diagnostics, LLC DBA Color Health); PubMed 29339979 (cited by Color Diagnostics, LLC DBA Color Health and Quest Diagnostics Nichols Institute San Juan Capistrano); PubMed 29446198 (cited by Color Diagnostics, LLC DBA Color Health and Labcorp Genetics (formerly Invitae), Labcorp); PubMed 32614418 (cited by Color Diagnostics, LLC DBA Color Health); PubMed 20104584 (cited by Labcorp Genetics (formerly Invitae), Labcorp); PubMed 16267036 (cited by Quest Diagnostics Nichols Institute San Juan Capistrano); PubMed 38922859 (cited by Molecular Oncology, Hospital Universitario Central de Asturias (HUCA)).